The following is an entry in ClinVar:

NM_032043.3(BRIP1):c.1408G>A (p.Gly470Arg)

Gene: BRIP1 (BRCA1 interacting DNA helicase 1; minus strand). Cytogenetic location: 17q23.2.
Variant type: single nucleotide variant.
Coding change: c.1408G>A on transcript NM_032043.3 (MANE Select); coding-DNA position 1408, G replaced by A.
Protein change: p.Gly470Arg; replaces glycine 470 with arginine.
Molecular consequence: missense variant.
Genome position (GRCh38, 1-based): chr17:61,793,662, C>T on the plus strand (G>A on the coding strand, the complement: BRIP1 is on the minus strand). VCF-style: chr17-61793662-C-T. GRCh37 (hg19) VCF-style: chr17-59871023-C-T.
Other names: short protein forms G470R.
Identifiers: ClinVar variation 664244 (VCV000664244.9), dbSNP rs1603340339, ClinGen allele CA400482174.

ClinVar aggregate classification (germline): Uncertain significance (1 of 4 stars; one submission).

Conditions:
Familial cancer of breast. Also called: Hereditary breast cancer; BREAST CANCER, FAMILIAL; hereditary breast carcinoma. Identifiers: Orphanet 227535, MedGen C0346153, MONDO:0016419, OMIM 114480. Disease mechanism: loss of function.
Fanconi anemia complementation group J. Also called: BRIP1-Related Fanconi Anemia. Identifiers: Orphanet 84, MedGen C1836860, MONDO:0012187, OMIM 609054.

Submission:

Labcorp Genetics (formerly Invitae), Labcorp
Classification: Uncertain significance for Familial cancer of breast; Fanconi anemia complementation group J. Last evaluated: 2018-07-25. Review status: criteria provided, single submitter. Criteria: Invitae Variant Classification Sherloc (09022015). Collection method: clinical testing. Allele origin: germline.
Comment: Algorithms developed to predict the effect of missense changes on protein structure and function (SIFT, PolyPhen-2, Align-GVGD) all suggest that this variant is likely to be disruptive, but these predictions have not been confirmed by published functional studies and their clinical significance is uncertain. In summary, the available evidence is currently insufficient to determine the role of this variant in disease. Therefore, it has been classified as a Variant of Uncertain Significance. This variant has not been reported in the literature in individuals with BRIP1-related disease. This variant is not present in population databases (ExAC no frequency). This sequence change replaces glycine with arginine at codon 470 of the BRIP1 protein (p.Gly470Arg). The glycine residue is highly conserved and there is a moderate physicochemical difference between glycine and arginine.